The following is an entry in ClinVar:

NM_000733.4(CD3E):c.55G>A (p.Val19Ile)

Gene: CD3E (CD3 epsilon subunit of T-cell receptor complex; plus strand). Cytogenetic location: 11q23.3.
Variant type: single nucleotide variant.
Coding change: c.55G>A on transcript NM_000733.4 (MANE Select); coding-DNA position 55, G replaced by A.
Protein change: p.Val19Ile; replaces valine 19 with isoleucine.
Molecular consequence: missense variant.
Genome position (GRCh38, 1-based): chr11:118,307,293, G>A. VCF-style: chr11-118307293-G-A. GRCh37 (hg19) VCF-style: chr11-118178008-G-A.
Other names: short protein forms V19I.
Identifiers: ClinVar variation 426577 (VCV000426577.6), dbSNP rs143630318, ClinGen allele CA6301567.
Genomic context (GRCh38, chr11:118,307,293, plus strand): 5'-AATGCAGGTACCCACAACATTTACTAACACTTTTTTTTTCTTATTTATTTTCTAGTTGGC[G>A]TTTGGGGGCAAGATGGTGAGATATGCTTTCTTTCTTTCTTTTTTATGAAATCACCCCATC-3'
Protein context (NP_000724.1, residues 9-29): VLGLCLLSVG[Val19Ile]WGQDGNEEMG

ClinVar aggregate classification (germline): Conflicting classifications of pathogenicity. Review status: criteria provided, conflicting classifications (1 of 4 stars). 3 submissions from 3 submitters: Uncertain significance (1); Likely benign (2). Last evaluated 2024-04-24.

Conditions:
Immunodeficiency 18 (IMD18). Also called: CD3epsilon deficiency; CD3-EPSILON DEFICIENCY. Identifiers: MedGen C3810127, MONDO:0014278, OMIM 615615.

Allele frequency attached by ClinVar (database versions not stated): gnomAD 0.00001 and 0.00002; gnomAD exomes 0.00002 and 0.00003; TOPMed 0.00002; ExAC 0.00003; ESP Exome Variant Server 0.00008.
gnomAD v4.1: 38 of 1,606,640 alleles (0.0024%); highest among the groups gnomAD compares: Middle Eastern, 0.15%; no homozygotes.

Submissions (3):

Blueprint Genetics
Classification: Likely benign. Last evaluated: 2024-04-24. Review status: criteria provided, single submitter. Criteria: ACMG Guidelines, 2015. Collection method: clinical testing. Allele origin: germline.

Labcorp Genetics (formerly Invitae), Labcorp
Classification: Uncertain significance for Immunodeficiency 18. Last evaluated: 2022-10-05. Review status: criteria provided, single submitter. Criteria: Invitae Variant Classification Sherloc (09022015). Collection method: clinical testing. Allele origin: germline.
Comment: This sequence change replaces valine, which is neutral and non-polar, with isoleucine, which is neutral and non-polar, at codon 19 of the CD3E protein (p.Val19Ile). This variant is present in population databases (rs143630318, gnomAD 0.007%). This variant has not been reported in the literature in individuals affected with CD3E-related conditions. ClinVar contains an entry for this variant (Variation ID: 426577). Algorithms developed to predict the effect of missense changes on protein structure and function output the following: SIFT: "Tolerated"; PolyPhen-2: "Benign"; Align-GVGD: "Class C0". The isoleucine amino acid residue is found in multiple mammalian species, which suggests that this missense change does not adversely affect protein function. Algorithms developed to predict the effect of sequence changes on RNA splicing suggest that this variant may disrupt the consensus splice site. In summary, the available evidence is currently insufficient to determine the role of this variant in disease. Therefore, it has been classified as a Variant of Uncertain Significance.

GeneDx
Classification: Likely benign. Last evaluated: 2018-07-18. Review status: criteria provided, single submitter. Criteria: GeneDx Variant Classification Process June 2021. Collection method: clinical testing. Allele origin: germline. Affected: yes.